The following is an entry in ClinVar:

ClinVar aggregate classification (germline): Uncertain significance (1 of 4 stars; one submission).

Conditions:
FG syndrome (FGS). Identifiers: MedGen C0220769, MONDO:0002010.

gnomAD v4.1: 2 of 1,211,371 alleles (0.00017%); highest among the groups gnomAD compares: Non-Finnish European, 0.00022%; no homozygotes.

Submission:

Labcorp Genetics (formerly Invitae), Labcorp
Classification: Uncertain significance for FG syndrome. Last evaluated: 2024-03-04. Review status: criteria provided, single submitter. Criteria: Invitae Variant Classification Sherloc (09022015). Collection method: clinical testing. Allele origin: germline.
Comment: This sequence change replaces arginine, which is basic and polar, with glutamine, which is neutral and polar, at codon 483 of the MED12 protein (p.Arg483Gln). This variant is not present in population databases (gnomAD no frequency). This variant has not been reported in the literature in individuals affected with MED12-related conditions. ClinVar contains an entry for this variant (Variation ID: 2159423). Advanced modeling of protein sequence and biophysical properties (such as structural, functional, and spatial information, amino acid conservation, physicochemical variation, residue mobility, and thermodynamic stability) has been performed at Invitae for this missense variant, however the output from this modeling did not meet the statistical confidence thresholds required to predict the impact of this variant on MED12 protein function. In summary, the available evidence is currently insufficient to determine the role of this variant in disease. Therefore, it has been classified as a Variant of Uncertain Significance.

NM_005120.3(MED12):c.1448G>A (p.Arg483Gln)

Genes: MED12 (mediator complex subunit 12; plus strand), LOC126863275 (BRD4-independent group 4 enhancer GRCh37_chrX:70342400-70343599; plus strand). Cytogenetic location: Xq13.1.
Variant type: single nucleotide variant.
Coding change: c.1448G>A on transcript NM_005120.3 (MANE Select); coding-DNA position 1448, G replaced by A.
Protein change: p.Arg483Gln; replaces arginine 483 with glutamine.
Molecular consequence: missense variant.
Genome position (GRCh38, 1-based): chrX:71,122,837, G>A. VCF-style: chrX-71122837-G-A. GRCh37 (hg19) VCF-style: chrX-70342687-G-A.
Other names: short protein forms R483Q.
Identifiers: ClinVar variation 2159423 (VCV002159423.4), dbSNP rs1456174589, ClinGen allele CA413506750.